The following is an entry in ClinVar:

ClinVar aggregate classification (germline): Pathogenic (1 of 4 stars; one submission).

Conditions:
Alstrom syndrome (ALMS). Identifiers: Orphanet 64, MedGen C0268425, MONDO:0008763, OMIM 203800.

Allele frequency attached by ClinVar (database versions not stated): gnomAD exomes below 0.00001.
gnomAD v4.1: 1 of 1,612,664 alleles (0.000062%); highest among the groups gnomAD compares: Non-Finnish European, 0.000085%; no homozygotes.

Submission:

Labcorp Genetics (formerly Invitae), Labcorp
Classification: Pathogenic for Alstrom syndrome. Last evaluated: 2022-06-29. Review status: criteria provided, single submitter. Criteria: Invitae Variant Classification Sherloc (09022015). Collection method: clinical testing. Allele origin: germline.
Comment: For these reasons, this variant has been classified as Pathogenic. This sequence change creates a premature translational stop signal (p.Ser1336*) in the ALMS1 gene. It is expected to result in an absent or disrupted protein product. Loss-of-function variants in ALMS1 are known to be pathogenic (PMID: 17594715). This variant is not present in population databases (gnomAD no frequency). This variant has not been reported in the literature in individuals affected with ALMS1-related conditions.

Literature cited by the submitters: PubMed 17594715.

NM_001378454.1(ALMS1):c.4004C>G (p.Ser1335Ter)

Gene: ALMS1 (ALMS1 centrosome and basal body associated protein; plus strand). Cytogenetic location: 2p13.1.
Variant type: single nucleotide variant.
Coding change: c.4004C>G on transcript NM_001378454.1 (MANE Select); coding-DNA position 4004, C replaced by G.
Protein change: p.Ser1335Ter; replaces serine 1335 with a stop codon.
Molecular consequence: nonsense.
Genome position (GRCh38, 1-based): chr2:73,450,531, C>G. VCF-style: chr2-73450531-C-G. GRCh37 (hg19) VCF-style: chr2-73677658-C-G.
Other names: c.4007C>G, p.Ser1336Ter (NM_015120.4); short protein forms S1336*, S1335*.
Identifiers: ClinVar variation 2012100 (VCV002012100.4), dbSNP rs906758153, ClinGen allele CA347277258.